The following is an entry in ClinVar:

ClinVar aggregate classification (germline): Uncertain significance (1 of 4 stars; one submission).

Allele frequency attached by ClinVar (database versions not stated): ExAC 0.00002.
gnomAD v4.1: 29 of 1,611,910 alleles (0.0018%); highest among the groups gnomAD compares: Non-Finnish European, 0.0025%; no homozygotes.

Submission:

Labcorp Genetics (formerly Invitae), Labcorp
Classification: Uncertain significance. Last evaluated: 2022-03-20. Review status: criteria provided, single submitter. Criteria: Invitae Variant Classification Sherloc (09022015). Collection method: clinical testing. Allele origin: germline.
Comment: In summary, the available evidence is currently insufficient to determine the role of this variant in disease. Therefore, it has been classified as a Variant of Uncertain Significance. Algorithms developed to predict the effect of missense changes on protein structure and function (SIFT, PolyPhen-2, Align-GVGD) all suggest that this variant is likely to be tolerated. This variant has not been reported in the literature in individuals affected with SBF1-related conditions. This variant is present in population databases (rs764147010, gnomAD 0.003%). This sequence change replaces glutamine, which is neutral and polar, with arginine, which is basic and polar, at codon 525 of the SBF1 protein (p.Gln525Arg).

NM_002972.4(SBF1):c.1574A>G (p.Gln525Arg)

Gene: SBF1 (SET binding factor 1; minus strand). Cytogenetic location: 22q13.33.
Variant type: single nucleotide variant.
Coding change: c.1574A>G on transcript NM_002972.4 (MANE Select); coding-DNA position 1574, A replaced by G.
Protein change: p.Gln525Arg; replaces glutamine 525 with arginine.
Molecular consequence: missense variant.
Genome position (GRCh38, 1-based): chr22:50,464,596, T>C on the plus strand (A>G on the coding strand, the complement: SBF1 is on the minus strand). VCF-style: chr22-50464596-T-C. GRCh37 (hg19) VCF-style: chr22-50903025-T-C.
Other names: c.1577A>G, p.Gln526Arg (NM_001365819.1, NM_001410794.1); c.1574A>G, p.Gln525Arg (NM_001410795.1, NM_197971.1); short protein forms Q525R, Q526R.
Identifiers: ClinVar variation 2135884 (VCV002135884.4), dbSNP rs764147010, ClinGen allele CA10317611.